The following is an entry in ClinVar:

ClinVar aggregate classification (germline): Uncertain significance (1 of 4 stars; one submission).

gnomAD v4.1: 33 of 1,612,334 alleles (0.002%); highest among the groups gnomAD compares: Non-Finnish European, 0.0025%; no homozygotes.

Submission:

Labcorp Genetics (formerly Invitae), Labcorp
Classification: Uncertain significance. Last evaluated: 2026-02-01. Review status: criteria provided, single submitter. Criteria: Invitae Variant Classification Sherloc (09022015). Collection method: clinical testing. Allele origin: germline.
Comment: This sequence change replaces arginine, which is basic and polar, with glutamine, which is neutral and polar, at codon 221 of the DHODH protein (p.Arg221Gln). This variant is present in population databases (rs565105946, gnomAD 0.004%). This variant has not been reported in the literature in individuals affected with DHODH-related conditions. Invitae Evidence Modeling of protein sequence and biophysical properties (such as structural, functional, and spatial information, amino acid conservation, physicochemical variation, residue mobility, and thermodynamic stability) has been performed for this missense variant. However, the output from this modeling did not meet the statistical confidence thresholds required to predict the impact of this variant on DHODH protein function. In summary, the available evidence is currently insufficient to determine the role of this variant in disease. Therefore, it has been classified as a Variant of Uncertain Significance.

NM_001361.5(DHODH):c.662G>A (p.Arg221Gln)

Gene: DHODH (dihydroorotate dehydrogenase (quinone); plus strand). Cytogenetic location: 16q22.2.
Variant type: single nucleotide variant.
Coding change: c.662G>A on transcript NM_001361.5 (MANE Select); coding-DNA position 662, G replaced by A.
Protein change: p.Arg221Gln; replaces arginine 221 with glutamine.
Molecular consequence: missense variant.
Genome position (GRCh38, 1-based): chr16:72,021,268, G>A. VCF-style: chr16-72021268-G-A. GRCh37 (hg19) VCF-style: chr16-72055167-G-A.
Other names: short protein forms R221Q.
Identifiers: ClinVar variation 4754815 (VCV004754815.1).